The following is an entry in ClinVar:

NM_000123.4(ERCC5):c.1173dup (p.Lys392Ter)

Genes: BIVM-ERCC5 (BIVM-ERCC5 readthrough; plus strand), ERCC5 (ERCC excision repair 5, endonuclease; plus strand). Cytogenetic location: 13q33.1.
Variant type: Duplication.
Coding change: c.1173dup on transcript NM_000123.4 (MANE Select); coding-DNA position 1173, one base duplicated (T; older notation c.1173dupT).
Protein change: p.Lys392Ter; replaces lysine 392 with a stop codon.
Molecular consequence: nonsense. On other transcripts: frameshift variant (1).
Genome position (GRCh38, 1-based): chr13:102,862,322, T duplicated; the last of 2 consecutive T bases (chr13:102,862,321-102,862,322); duplicating either gives the same sequence. VCF-style (leftmost placement, unchanged base first): chr13-102862320-A-AT. GRCh37 (hg19) VCF-style: chr13-103514670-A-AT.
Other names: NM_000123.3:c.1173dupT; c.1173dupT (NM_000123.4); c.2535dup, p.Lys846Ter (NM_001204425.2); c.1173_1174insT (NM_000123.3); short protein forms K392*, K846*.
Identifiers: ClinVar variation 517221 (VCV000517221.9), dbSNP rs1283214655, ClinGen allele CA658798033.

ClinVar aggregate classification (germline): Pathogenic/Likely pathogenic. Review status: criteria provided, multiple submitters, no conflicts (2 of 4 stars). 4 submissions from 4 submitters: Pathogenic (3); Likely pathogenic (1). Last evaluated 2024-03-08.

Conditions:
Xeroderma pigmentosum (XP). Identifiers: Orphanet 910, MedGen C0043346, MONDO:0019600.
Cerebrooculofacioskeletal syndrome 3 (COFS3). Identifiers: MedGen C1851443, MONDO:0014696, OMIM 616570.
Xeroderma pigmentosum, group G (XPG). Also called: XERODERMA PIGMENTOSUM VII; XP, GROUP G; ERCC5-Related Xeroderma Pigmentosum; Xeroderma pigmentosum type 7. Identifiers: MedGen C0268141, MONDO:0010216, OMIM 278780.

Submissions (4):

Fulgent Genetics
Classification: Pathogenic for Xeroderma pigmentosum, group G; Cerebrooculofacioskeletal syndrome 3. Last evaluated: 2024-03-08. Review status: criteria provided, single submitter. Criteria: ACMG Guidelines, 2015. Collection method: clinical testing. Allele origin: germline.

Women's Health and Genetics/Laboratory Corporation of America, LabCorp
Classification: Pathogenic for Xeroderma pigmentosum. Last evaluated: 2024-03-07. Review status: criteria provided, single submitter. Criteria: LabCorp Variant Classification Summary - May 2015. Collection method: clinical testing. Allele origin: germline.
Comment: Variant summary: ERCC5 c.1173dupT (p.Lys392X) results in a premature termination codon, predicted to cause absence of the protein due to nonsense mediated decay, which is a commonly known mechanism for disease. The variant was absent in 251034 control chromosomes. c.1173dupT has been reported in the literature at a compound heterozygous state with a second pathogenic variant in at-least one individual affected with Xeroderma Pigmentosum (example, Zhang_2017). These data do not allow any conclusion about variant significance. To our knowledge, no experimental evidence demonstrating an impact on protein function has been reported. The following publication have been ascertained in the context of this evaluation (PMID: 27982466). ClinVar contains an entry for this variant (Variation ID: 517221). Based on the evidence outlined above, the variant was classified as pathogenic.

Laboratory for Molecular Medicine, Mass General Brigham Personalized Medicine
Classification: Likely pathogenic for Xeroderma pigmentosum. Last evaluated: 2017-03-04. Review status: criteria provided, single submitter. Criteria: LMM Criteria. Collection method: clinical testing. Allele origin: germline. Inheritance: Autosomal recessive inheritance. Observed: 1 variant allele.
Comment: The p.Lys392X (NM_000123.3 c.1173dup) variant in ERCC5 has not been previously r eported in individuals with xeroderma pigmentosum and was absent from large popu lation studies. This variant is predicted to cause a frameshift, which alters th e protein?s amino acid sequence and leads to a premature termination codon at po sition 392. This alteration is then predicted to lead to a truncated or absent p rotein. Biallelic loss of function in ERCC5 has been associated with xeroderma p igmentosum. In summary, although additional studies are required to fully establ ish a null effect on the protein, the p.Lys392X variant in ERCC5 is likely patho genic for xeroderma pigmentosum in an autosomal recessive manner based upon its predicted functional impact.

Juno Genomics, Hangzhou Juno Genomics, Inc
Classification: Pathogenic for Xeroderma pigmentosum, group G; Cerebrooculofacioskeletal syndrome 3. Review status: criteria provided, single submitter. Criteria: ACMG Guidelines, 2015. Collection method: clinical testing. Allele origin: germline.
Comment: Absent from controls (or at extremely low frequency if recessive) in Genome Aggregation Database.;Null variant in a gene where loss of function (LOF) is a known mechanism of disease.;For recessive disorders, detected in trans with a pathogenic variant.

Literature cited by the submitters: PubMed 27982466 (cited by Women's Health and Genetics/Laboratory Corporation of America, LabCorp).